The following is an entry in ClinVar:

NM_001374504.1(TMPRSS6):c.635G>A (p.Cys212Tyr)

Gene: TMPRSS6 (transmembrane serine protease 6; minus strand). Cytogenetic location: 22q12.3.
Variant type: single nucleotide variant.
Coding change: c.635G>A on transcript NM_001374504.1 (MANE Select); coding-DNA position 635, G replaced by A.
Protein change: p.Cys212Tyr; replaces cysteine 212 with tyrosine.
Molecular consequence: missense variant.
Genome position (GRCh38, 1-based): chr22:37,089,779, C>T on the plus strand (G>A on the coding strand, the complement: TMPRSS6 is on the minus strand). VCF-style: chr22-37089779-C-T. GRCh37 (hg19) VCF-style: chr22-37485819-C-T.
Other names: c.635G>A, p.Cys212Tyr (NM_001289000.2, NM_001289001.2, NM_153609.4); short protein forms C212Y.
Identifiers: ClinVar variation 1695043 (VCV001695043.31), dbSNP rs2146125729, ClinGen allele CA411426406.

ClinVar aggregate classification (germline): Uncertain significance (1 of 4 stars; one submission).

Allele frequency attached by ClinVar (database versions not stated): gnomAD exomes below 0.00001.
gnomAD v4.1: 2 of 1,611,656 alleles (0.00012%); highest among the groups gnomAD compares: Non-Finnish European, 0.00017%; no homozygotes.

Submission:

CeGaT Center for Human Genetics Tuebingen
Classification: Uncertain significance. Last evaluated: 2022-04-01. Review status: criteria provided, single submitter. Criteria: CeGaT Center For Human Genetics Tuebingen Variant Classification Criteria Version 2. Collection method: clinical testing. Allele origin: germline. Affected: yes. Observed: 1 variant allele.
Comment: TMPRSS6: PM2